The following is an entry in ClinVar:

NM_004172.5(SLC1A3):c.349G>A (p.Gly117Arg)

Genes: SLC1A3 (solute carrier family 1 member 3; plus strand), SLC1A3-AS1 (SLC1A3 antisense RNA 1; minus strand). Cytogenetic location: 5p13.2.
Variant type: single nucleotide variant.
Coding change: c.349G>A on transcript NM_004172.5 (MANE Select); coding-DNA position 349, G replaced by A.
Protein change: p.Gly117Arg; replaces glycine 117 with arginine.
Molecular consequence: missense variant.
Genome position (GRCh38, 1-based): chr5:36,671,058, G>A. VCF-style: chr5-36671058-G-A. GRCh37 (hg19) VCF-style: chr5-36671160-G-A.
Other names: c.349G>A, p.Gly117Arg (NM_001166695.3, NM_001289940.2); c.211G>A, p.Gly71Arg (NM_001289939.2); short protein forms G117R, G71R.
Identifiers: ClinVar variation 2750223 (VCV002750223.3), dbSNP rs2478113019, ClinGen allele CA359477168.
Genomic context (GRCh38, chr5:36,671,058, plus strand): 5'-TTCCTGAAAATCTTCTGTTTGCCTCCACCAGGAATGGCGGCGCTAGATAGTAAGGCATCA[G>A]GGAAGATGGGAATGCGAGCTGTAGTCTATTATATGACTACCACCATCATTGCTGTGGTGA-3'
Protein context (NP_004163.3, residues 107-127): GMAALDSKAS[Gly117Arg]KMGMRAVVYY

ClinVar aggregate classification (germline): Uncertain significance (1 of 4 stars; one submission).

Submission:

Labcorp Genetics (formerly Invitae), Labcorp
Classification: Uncertain significance. Last evaluated: 2023-08-14. Review status: criteria provided, single submitter. Criteria: Invitae Variant Classification Sherloc (09022015). Collection method: clinical testing. Allele origin: germline.
Comment: This sequence change replaces glycine, which is neutral and non-polar, with arginine, which is basic and polar, at codon 117 of the SLC1A3 protein (p.Gly117Arg). In summary, the available evidence is currently insufficient to determine the role of this variant in disease. Therefore, it has been classified as a Variant of Uncertain Significance. Advanced modeling of protein sequence and biophysical properties (such as structural, functional, and spatial information, amino acid conservation, physicochemical variation, residue mobility, and thermodynamic stability) performed at Invitae indicates that this missense variant is not expected to disrupt SLC1A3 protein function. This variant has not been reported in the literature in individuals affected with SLC1A3-related conditions. This variant is not present in population databases (gnomAD no frequency).